The following is an entry in ClinVar:

NM_000553.6(WRN):c.2750T>C (p.Phe917Ser)

Gene: WRN (WRN RecQ like helicase; plus strand). Cytogenetic location: 8p12.
Variant type: single nucleotide variant.
Coding change: c.2750T>C on transcript NM_000553.6 (MANE Select); coding-DNA position 2750, T replaced by C.
Protein change: p.Phe917Ser; replaces phenylalanine 917 with serine.
Molecular consequence: missense variant.
Genome position (GRCh38, 1-based): chr8:31,124,925, T>C. VCF-style: chr8-31124925-T-C. GRCh37 (hg19) VCF-style: chr8-30982441-T-C.
Other names: short protein forms F917S.
Identifiers: ClinVar variation 862286 (VCV000862286.2), dbSNP rs1801860436, ClinGen allele CA370917604.

ClinVar aggregate classification (germline): Uncertain significance (1 of 4 stars; one submission).

Conditions:
Werner syndrome (WRN). Identifiers: Orphanet 902, MedGen C0043119, MONDO:0010196, OMIM 277700.

Submission:

Labcorp Genetics (formerly Invitae), Labcorp
Classification: Uncertain significance for Werner syndrome. Last evaluated: 2020-10-05. Review status: criteria provided, single submitter. Criteria: Invitae Variant Classification Sherloc (09022015). Collection method: clinical testing. Allele origin: germline.
Comment: This sequence change replaces phenylalanine with serine at codon 917 of the WRN protein (p.Phe917Ser). The phenylalanine residue is highly conserved and there is a large physicochemical difference between phenylalanine and serine. This variant is not present in population databases (ExAC no frequency). This variant has not been reported in the literature in individuals with WRN-related conditions. Algorithms developed to predict the effect of missense changes on protein structure and function (SIFT, PolyPhen-2, Align-GVGD) all suggest that this variant is likely to be disruptive, but these predictions have not been confirmed by published functional studies and their clinical significance is uncertain. In summary, the available evidence is currently insufficient to determine the role of this variant in disease. Therefore, it has been classified as a Variant of Uncertain Significance.